The following is an entry in ClinVar:

NM_002024.6(FMR1):c.304A>G (p.Thr102Ala)

Gene: FMR1 (fragile X messenger ribonucleoprotein 1; plus strand). Cytogenetic location: Xq27.3.
Variant type: single nucleotide variant.
Coding change: c.304A>G on transcript NM_002024.6 (MANE Select); coding-DNA position 304, A replaced by G.
Protein change: p.Thr102Ala; replaces threonine 102 with alanine.
Molecular consequence: missense variant. On other transcripts: non-coding transcript variant (2).
Genome position (GRCh38, 1-based): chrX:147,928,692, A>G. VCF-style: chrX-147928692-A-G. GRCh37 (hg19) VCF-style: chrX-147010210-A-G.
Other names: c.304A>G, p.Thr102Ala (NM_001185075.2, NM_001185076.2, NM_001185081.2 and 1 more transcripts); short protein forms T102A.
Identifiers: ClinVar variation 1208703 (VCV001208703.3), dbSNP rs2124505101, ClinGen allele CA414436353.

ClinVar aggregate classification (germline): Uncertain significance (1 of 4 stars; one submission).

Submission:

GeneDx
Classification: Uncertain significance. Last evaluated: 2019-12-30. Review status: criteria provided, single submitter. Criteria: GeneDx Variant Classification Process June 2021. Collection method: clinical testing. Allele origin: germline. Affected: yes.
Comment: Functional analysis demonstrates that transfected cells with T102A significantly compromised FMRP binding to native nucleosomes; however this study is showing an in vitro effect and this variant has not been linked to human disease (Alpatov et al., 2014); Not observed in large population cohorts (Lek et al., 2016); In silico analysis, which includes protein predictors and evolutionary conservation, supports a deleterious effect; This variant is associated with the following publications: (PMID: 25327144, 24813610)